The following is an entry in ClinVar:

NM_023110.3(FGFR1):c.1349C>T (p.Ser450Phe)

Gene: FGFR1 (fibroblast growth factor receptor 1; minus strand). Cytogenetic location: 8p11.23.
Variant type: single nucleotide variant.
Coding change: c.1349C>T on transcript NM_023110.3 (MANE Select); coding-DNA position 1349, C replaced by T.
Protein change: p.Ser450Phe; replaces serine 450 with phenylalanine.
Molecular consequence: missense variant.
Genome position (GRCh38, 1-based): chr8:38,418,309, G>A on the plus strand (C>T on the coding strand, the complement: FGFR1 is on the minus strand). VCF-style: chr8-38418309-G-A. GRCh37 (hg19) VCF-style: chr8-38275827-G-A.
Other names: c.1343C>T, p.Ser448Phe (NM_001174063.2, NM_001174065.2, NM_001354367.2 and 1 more transcripts); c.1319C>T, p.Ser440Phe (NM_001174064.2); c.1082C>T, p.Ser361Phe (NM_001174066.2, NM_023105.3); c.1442C>T, p.Ser481Phe (NM_001174067.2); c.1070C>T, p.Ser357Phe (NM_001354368.2); c.1337C>T, p.Ser446Phe (NM_001354369.2); c.1076C>T, p.Ser359Phe (NM_001354370.2, NM_023106.3); short protein forms S357F, S359F, S361F, S440F, S446F, S448F, S450F, S481F.
Identifiers: ClinVar variation 1303080 (VCV001303080.5), dbSNP rs2150675272, ClinGen allele CA370733334.

ClinVar aggregate classification (germline): Uncertain significance. Review status: criteria provided, multiple submitters, no conflicts (2 of 4 stars). 2 submissions from 2 submitters: Uncertain significance (2). Last evaluated 2025-04-28.

Conditions:
Hypogonadotropic hypogonadism 2 with or without anosmia (HH2). Also called: HYPOGONADOTROPIC HYPOGONADISM 2 WITHOUT ANOSMIA; FGFR1-Related GnRH Deficiency (Kallmann Syndrome 2); HYPOGONADOTROPIC HYPOGONADISM 2 WITH OR WITHOUT ANOSMIA, SUSCEPTIBILITY TO; HYPOGONADOTROPIC HYPOGONADISM 2 WITHOUT ANOSMIA, SUSCEPTIBILITY TO. Identifiers: Orphanet 478, MedGen C1563720, MONDO:0007844, OMIM 147950. Disease mechanism: loss of function.
Pfeiffer syndrome (ACS5). Also called: ACS V. Identifiers: Orphanet 710, MedGen C0220658, MONDO:0007043, OMIM 101600.

gnomAD v4.1: 18 of 1,614,196 alleles (0.0011%); highest among the groups gnomAD compares: Non-Finnish European, 0.0015%; no homozygotes.

Submissions (2):

Labcorp Genetics (formerly Invitae), Labcorp
Classification: Uncertain significance for Pfeiffer syndrome; Hypogonadotropic hypogonadism 2 with or without anosmia. Last evaluated: 2025-04-28. Review status: criteria provided, single submitter. Criteria: Invitae Variant Classification Sherloc (09022015). Collection method: clinical testing. Allele origin: germline.
Comment: This sequence change replaces serine, which is neutral and polar, with phenylalanine, which is neutral and non-polar, at codon 450 of the FGFR1 protein (p.Ser450Phe). This variant is not present in population databases (gnomAD no frequency). This missense change has been observed in individual(s) with septo optic dysplasia (PMID: 22319038). ClinVar contains an entry for this variant (Variation ID: 1303080). Invitae Evidence Modeling of protein sequence and biophysical properties (such as structural, functional, and spatial information, amino acid conservation, physicochemical variation, residue mobility, and thermodynamic stability) has been performed for this missense variant. However, the output from this modeling did not meet the statistical confidence thresholds required to predict the impact of this variant on FGFR1 protein function. Experimental studies have shown that this missense change affects FGFR1 function (PMID: 22319038). In summary, the available evidence is currently insufficient to determine the role of this variant in disease. Therefore, it has been classified as a Variant of Uncertain Significance.

GeneDx
Classification: Uncertain significance. Last evaluated: 2019-12-09. Review status: criteria provided, single submitter. Criteria: GeneDx Variant Classification Process June 2021. Collection method: clinical testing. Allele origin: germline. Affected: yes.
Comment: Reported in a patient with septo-optic dysplasia in published literature (Raivio et al., 2012); Published functional studies suggest this variant impacts signaling (Raivio et al., 2012); In silico analysis, which includes protein predictors and evolutionary conservation, supports a deleterious effect; Not observed in large population cohorts (Lek et al., 2016); This variant is associated with the following publications: (PMID: 22319038)

Literature cited by the submitters: PubMed 22319038 (cited by Labcorp Genetics (formerly Invitae), Labcorp).